The following is an entry in ClinVar:

ClinVar aggregate classification (germline): Likely pathogenic (1 of 4 stars; one submission).

Conditions:
PHF5A-related disorder.

Submission:

3billion
Classification: Likely pathogenic for PHF5A-related disorder. Last evaluated: 2026-01-09. Review status: criteria provided, single submitter. Criteria: ACMG Guidelines, 2015. Collection method: clinical testing. Allele origin: germline. Affected: yes.
Comment: The variant is not observed in the gnomAD v4.1.0 dataset. Predicted Consequence/Location: Start-lost variant The variant has been previously reported as de novo in a similarly affected individual (PMID: 37422718). The variant has been reported to be associated with PHF5A-related disorder (PMID: 37422718). Therefore, this variant is classified as Likely pathogenic according to the recommendation of ACMG/AMP guideline.

Literature cited by the submitters: PubMed 37422718.

NM_032758.4(PHF5A):c.2T>C (p.Met1Thr)

Gene: PHF5A (PHD finger protein 5A; minus strand). Cytogenetic location: 22q13.2.
Variant type: single nucleotide variant.
Coding change: c.2T>C on transcript NM_032758.4 (MANE Select); coding-DNA position 2, T replaced by C.
Protein change: p.Met1Thr; changes the start codon (methionine 1).
Molecular consequence: missense variant, initiator codon variant.
Genome position (GRCh38, 1-based): chr22:41,468,652, A>G on the plus strand (T>C on the coding strand, the complement: PHF5A is on the minus strand). VCF-style: chr22-41468652-A-G. GRCh37 (hg19) VCF-style: chr22-41864656-A-G.
Other names: short protein forms M1T.
Identifiers: ClinVar variation 4856216 (VCV004856216.1).